The following is an entry in ClinVar:

ClinVar aggregate classification (germline): Likely benign (1 of 4 stars; one submission).

Allele frequency attached by ClinVar (database versions not stated): ESP Exome Variant Server 0.00009; gnomAD 0.00011; gnomAD exomes 0.00019; ExAC 0.00038; 1000 Genomes Project 0.00079; 1000 Genomes Project 30x 0.00083; TOPMed 0.00008.
gnomAD v4.1: 226 of 1,207,881 alleles (0.019%); highest among the groups gnomAD compares: South Asian, 0.21%; no homozygotes.

Submission:

CeGaT Center for Human Genetics Tuebingen
Classification: Likely benign. Last evaluated: 2023-03-01. Review status: criteria provided, single submitter. Criteria: CeGaT Center For Human Genetics Tuebingen Variant Classification Criteria Version 2. Collection method: clinical testing. Allele origin: germline. Affected: yes. Observed: 1 variant allele.
Comment: GRIPAP1: BP4, BS2

NM_020137.5(GRIPAP1):c.1706G>A (p.Arg569Gln)

Gene: GRIPAP1 (GRIP1 associated protein 1; minus strand). Cytogenetic location: Xp11.23.
Variant type: single nucleotide variant.
Coding change: c.1706G>A on transcript NM_020137.5 (MANE Select); coding-DNA position 1706, G replaced by A.
Protein change: p.Arg569Gln; replaces arginine 569 with glutamine.
Molecular consequence: missense variant.
Genome position (GRCh38, 1-based): chrX:48,981,663, C>T on the plus strand (G>A on the coding strand, the complement: GRIPAP1 is on the minus strand). VCF-style: chrX-48981663-C-T. GRCh37 (hg19) VCF-style: chrX-48838075-C-T.
Other names: short protein forms R569Q.
Identifiers: ClinVar variation 2660496 (VCV002660496.24), dbSNP rs146718584, ClinGen allele CA10407126.